The following is an entry in ClinVar:

NM_007294.4(BRCA1):c.1799T>C (p.Ile600Thr)

Gene: BRCA1 (BRCA1 DNA repair associated; minus strand). Cytogenetic location: 17q21.31.
Variant type: single nucleotide variant.
Coding change: c.1799T>C on transcript NM_007294.4 (MANE Select); coding-DNA position 1799, T replaced by C.
Protein change: p.Ile600Thr; replaces isoleucine 600 with threonine.
Molecular consequence: missense variant. On other transcripts: intron variant (137).
Genome position (GRCh38, 1-based): chr17:43,093,732, A>G on the plus strand (T>C on the coding strand, the complement: BRCA1 is on the minus strand). VCF-style: chr17-43093732-A-G. GRCh37 (hg19) VCF-style: chr17-41245749-A-G.
Other names: c.1796T>C, p.Ile599Thr (NM_001407615.1, NM_001407634.1, NM_001407635.1 and 22 more transcripts); c.1799T>C, p.Ile600Thr (NM_001407616.1, NM_001407617.1, NM_001407618.1 and 30 more transcripts); c.1721T>C, p.Ile574Thr (NM_001407656.1, NM_001407657.1, NM_001407658.1 and 4 more transcripts); c.1718T>C, p.Ile573Thr (NM_001407659.1, NM_001407660.1, NM_001407661.1 and 1 more transcripts); c.1676T>C, p.Ile559Thr (NM_001407664.1, NM_001407665.1, NM_001407675.1 and 19 more transcripts); c.1658T>C, p.Ile553Thr (NM_001407695.1, NM_001407696.1, NM_001407697.1 and 29 more transcripts); c.1655T>C, p.Ile552Thr (NM_001407740.1, NM_001407741.1, NM_001407742.1 and 20 more transcripts); c.1586T>C, p.Ile529Thr (NM_001407853.1, NM_001407894.1, NM_001407895.1 and 9 more transcripts); and 40 more; short protein forms I600T, I553T, I488T, I597T, I473T, I512T, I529T, I559T.
Identifiers: ClinVar variation 479261 (VCV000479261.21), dbSNP rs398122643, ClinGen allele CA10598420.

ClinVar aggregate classification (germline): Conflicting classifications of pathogenicity. Review status: criteria provided, conflicting classifications (1 of 4 stars). 6 submissions from 6 submitters: Uncertain significance (4); Likely benign (2). Last evaluated 2025-09-21.

Conditions:
Hereditary breast ovarian cancer syndrome. Also called: Breast and ovarian cancer; Hereditary breast and/or ovarian cancer syndrome; BRCA1- and BRCA2-Associated Hereditary Breast and Ovarian Cancer; Hereditary breast and ovarian cancer syndrome; Hereditary breast and ovarian cancer syndrome (HBOC); Hereditary breast and ovarian cancer. Identifiers: Orphanet 145, MedGen C0677776, MeSH D061325, MONDO:0003582. Disease mechanism: loss of function.
Breast-ovarian cancer, familial, susceptibility to, 1 (BROVCA1). Also called: BRCA1 Hereditary Breast and Ovarian Cancer; OVARIAN CANCER, SUSCEPTIBILITY TO. Identifiers: Orphanet 145, MedGen C2676676, MONDO:0011450, OMIM 604370. Disease mechanism: loss of function.
Hereditary cancer-predisposing syndrome. Also called: Tumor predisposition; Hereditary Cancer Syndrome; Hereditary neoplastic syndrome; Neoplastic Syndromes, Hereditary. Identifiers: Orphanet 140162, MedGen C0027672, MeSH D009386, MONDO:0015356.

Submissions (6):

Labcorp Genetics (formerly Invitae), Labcorp
Classification: Uncertain significance for Hereditary breast ovarian cancer syndrome. Last evaluated: 2025-09-21. Review status: criteria provided, single submitter. Criteria: Invitae Variant Classification Sherloc (09022015). Collection method: clinical testing. Allele origin: germline.
Comment: This sequence change replaces isoleucine, which is neutral and non-polar, with threonine, which is neutral and polar, at codon 600 of the BRCA1 protein (p.Ile600Thr). This variant is not present in population databases (gnomAD no frequency). This missense change has been observed in individual(s) with breast and ovarian cancer (PMID: 18273839). ClinVar contains an entry for this variant (Variation ID: 479261). Invitae Evidence Modeling of protein sequence and biophysical properties (such as structural, functional, and spatial information, amino acid conservation, physicochemical variation, residue mobility, and thermodynamic stability) indicates that this missense variant is not expected to disrupt BRCA1 protein function with a negative predictive value of 80%. In summary, the available evidence is currently insufficient to determine the role of this variant in disease. Therefore, it has been classified as a Variant of Uncertain Significance.

Center for Genomic Medicine, Rigshospitalet, Copenhagen University Hospital
Classification: Likely benign. Last evaluated: 2025-03-04. Review status: criteria provided, single submitter. Criteria: ACMG Guidelines, 2015. Collection method: clinical testing. Allele origin: germline.

Ambry Genetics
Classification: Uncertain significance for Hereditary cancer-predisposing syndrome. Last evaluated: 2024-10-17. Review status: criteria provided, single submitter. Criteria: Ambry Variant Classification Scheme 2023. Collection method: clinical testing. Allele origin: germline.
Comment: The p.I600T variant (also known as c.1799T>C), located in coding exon 9 of the BRCA1 gene, results from a T to C substitution at nucleotide position 1799. The isoleucine at codon 600 is replaced by threonine, an amino acid with similar properties. This amino acid position is poorly conserved in available vertebrate species. In addition, the in silico prediction for this alteration is inconclusive. Since supporting evidence is limited at this time, the clinical significance of this alteration remains unclear.

All of Us Research Program, National Institutes of Health
Classification: Uncertain significance for Breast-ovarian cancer, familial, susceptibility to, 1. Last evaluated: 2023-10-02. Review status: criteria provided, single submitter. Criteria: ACMG Guidelines, 2015. Collection method: clinical testing. Allele origin: germline. Inheritance: Autosomal dominant inheritance. Observed: 1 variant allele, 1 heterozygote.
Comment: This missense variant replaces isoleucine with threonine at codon 600 of the BRCA1 protein. Computational prediction is inconclusive regarding the impact of this variant on protein structure and function (internally defined REVEL score threshold 0.5 < inconclusive < 0.7, PMID: 27666373). To our knowledge, functional studies have not been reported for this variant. This variant has been reported in a suspected hereditary breast and ovarian cancer family (PMID: 18273839). This variant has not been identified in the general population by the Genome Aggregation Database (gnomAD). The available evidence is insufficient to determine the role of this variant in disease conclusively. Therefore, this variant is classified as a Variant of Uncertain Significance.

This study involves interpretation of variants in research participants for the purpose of population health screening. Participant phenotype was not available at the time of variant classification. Additional details can be found in publication PMID: 35346344, PMCID: PMC8962531

Color Diagnostics, LLC DBA Color Health
Classification: Uncertain significance for Hereditary cancer-predisposing syndrome. Last evaluated: 2023-09-04. Review status: criteria provided, single submitter. Criteria: ACMG Guidelines, 2015. Collection method: clinical testing. Allele origin: germline.
Comment: This missense variant replaces isoleucine with threonine at codon 600 of the BRCA1 protein. Computational prediction is inconclusive regarding the impact of this variant on protein structure and function (internally defined REVEL score threshold 0.5 < inconclusive < 0.7, PMID: 27666373). To our knowledge, functional studies have not been reported for this variant. This variant has been reported in a suspected hereditary breast and ovarian cancer family (PMID: 18273839). This variant has not been identified in the general population by the Genome Aggregation Database (gnomAD). The available evidence is insufficient to determine the role of this variant in disease conclusively. Therefore, this variant is classified as a Variant of Uncertain Significance.

University of Washington Department of Laboratory Medicine, University of Washington
Classification: Likely benign for Hereditary cancer-predisposing syndrome. Last evaluated: 2023-03-23. Review status: criteria provided, single submitter. Criteria: Dines et al. (Genet Med. 2020). Collection method: curation. Allele origin: germline.
Comment: Missense variant in a coldspot region where missense variants are very unlikely to be pathogenic (PMID:31911673).

BRCA1 coldspot (exon 11 using historical exon numbering). Reclassification based on statistical prior probability

Literature cited by the submitters: PubMed 18273839 (cited by 3 submitters).